The following is an entry in ClinVar:

ClinVar aggregate classification (germline): Uncertain significance. Review status: criteria provided, multiple submitters, no conflicts (2 of 4 stars). 2 submissions from 2 submitters: Uncertain significance (2). Last evaluated 2024-02-26.

Conditions:
Multiple endocrine neoplasia, type 1 (MEN1). Also called: MEA I; MEN I; WERMER SYNDROME; Endocrine adenomatosis multiple; MEN 1. Identifiers: Orphanet 652, MedGen C0025267, MeSH D018761, MONDO:0007540, OMIM 131100.
Hereditary cancer-predisposing syndrome. Also called: Neoplastic Syndromes, Hereditary; Hereditary Cancer Syndrome; Hereditary neoplastic syndrome; Tumor predisposition. Identifiers: Orphanet 140162, MedGen C0027672, MeSH D009386, MONDO:0015356.

Submissions (2):

Labcorp Genetics (formerly Invitae), Labcorp
Classification: Uncertain significance for Multiple endocrine neoplasia, type 1. Last evaluated: 2024-02-26. Review status: criteria provided, single submitter. Criteria: Invitae Variant Classification Sherloc (09022015). Collection method: clinical testing. Allele origin: germline.
Comment: This sequence change replaces lysine, which is basic and polar, with threonine, which is neutral and polar, at codon 4 of the MEN1 protein (p.Lys4Thr). This variant is not present in population databases (gnomAD no frequency). This variant has not been reported in the literature in individuals affected with MEN1-related conditions. ClinVar contains an entry for this variant (Variation ID: 640117). Advanced modeling of protein sequence and biophysical properties (such as structural, functional, and spatial information, amino acid conservation, physicochemical variation, residue mobility, and thermodynamic stability) performed at Invitae indicates that this missense variant is expected to disrupt MEN1 protein function with a positive predictive value of 80%. In summary, the available evidence is currently insufficient to determine the role of this variant in disease. Therefore, it has been classified as a Variant of Uncertain Significance.

Ambry Genetics
Classification: Uncertain significance for Hereditary cancer-predisposing syndrome. Last evaluated: 2023-04-28. Review status: criteria provided, single submitter. Criteria: Ambry Variant Classification Scheme 2023. Collection method: clinical testing. Allele origin: germline.
Comment: The p.K4T variant (also known as c.11A>C), located in coding exon 1 of the MEN1 gene, results from an A to C substitution at nucleotide position 11. The lysine at codon 4 is replaced by threonine, an amino acid with similar properties. This amino acid position is conserved. In addition, the in silico prediction for this alteration is inconclusive. Since supporting evidence is limited at this time, the clinical significance of this alteration remains unclear.

NM_001370259.2(MEN1):c.11A>C (p.Lys4Thr)

Gene: MEN1 (menin 1; minus strand). Cytogenetic location: 11q13.1.
Variant type: single nucleotide variant.
Coding change: c.11A>C on transcript NM_001370259.2 (MANE Select); coding-DNA position 11, A replaced by C.
Protein change: p.Lys4Thr; replaces lysine 4 with threonine.
Molecular consequence: missense variant.
Genome position (GRCh38, 1-based): chr11:64,810,099, T>G on the plus strand (A>C on the coding strand, the complement: MEN1 is on the minus strand). VCF-style: chr11-64810099-T-G. GRCh37 (hg19) VCF-style: chr11-64577571-T-G.
Other names: c.11A>C, p.Lys4Thr (NM_001370260.2, NM_001370261.2, NM_001370262.2 and 9 more transcripts); short protein forms K4T.
Identifiers: ClinVar variation 640117 (VCV000640117.10), dbSNP rs1592661250, ClinGen allele CA381188323.